The following is an entry in ClinVar:

ClinVar aggregate classification (germline): Uncertain significance. Review status: criteria provided, multiple submitters, no conflicts (2 of 4 stars). 2 submissions from 2 submitters: Uncertain significance (2). Last evaluated 2025-04-28.

Conditions:
Biotin-responsive basal ganglia disease (BTBGD). Also called: THIAMINE METABOLISM DYSFUNCTION SYNDROME 2 (BIOTIN- AND THIAMINE-RESPONSIVE TYPE); Thiamine metabolism dysfunction syndrome 2 (biotin- or thiamine-responsive encephalopathy type 2); thiamine-responsive encephalopathy; Thiamine metabolism dysfunction syndrome type 2; Thiamine Transporter-2 Deficiency. Identifiers: Orphanet 199348, Orphanet 65284, MedGen C1843807, MONDO:0011841, OMIM 607483.

Allele frequency attached by ClinVar (database versions not stated): TOPMed below 0.00001; ExAC 0.00001; gnomAD exomes 0.00001.

Submissions (2):

GeneDx
Classification: Uncertain significance. Last evaluated: 2025-04-28. Review status: criteria provided, single submitter. Criteria: GeneDx Variant Classification Process June 2021. Collection method: clinical testing. Allele origin: germline. Affected: yes.
Comment: Not observed at significant frequency in large population cohorts (gnomAD); In silico analysis indicates that this missense variant does not alter protein structure/function; Has not been previously published as pathogenic or benign to our knowledge

Labcorp Genetics (formerly Invitae), Labcorp
Classification: Uncertain significance for Biotin-responsive basal ganglia disease. Last evaluated: 2021-09-02. Review status: criteria provided, single submitter. Criteria: Invitae Variant Classification Sherloc (09022015). Collection method: clinical testing. Allele origin: germline.
Comment: This sequence change replaces aspartic acid with asparagine at codon 2 of the SLC19A3 protein (p.Asp2Asn). The aspartic acid residue is weakly conserved and there is a small physicochemical difference between aspartic acid and asparagine. The frequency data for this variant in the population databases is considered unreliable, as metrics indicate poor data quality at this position in the ExAC database. This variant has not been reported in the literature in individuals affected with SLC19A3-related conditions. Algorithms developed to predict the effect of missense changes on protein structure and function output the following: SIFT: "Tolerated"; PolyPhen-2: "Benign"; Align-GVGD: "Class C0". The asparagine amino acid residue is found in multiple mammalian species, which suggests that this missense change does not adversely affect protein function. In summary, the available evidence is currently insufficient to determine the role of this variant in disease. Therefore, it has been classified as a Variant of Uncertain Significance.

NM_025243.4(SLC19A3):c.4G>A (p.Asp2Asn)

Gene: SLC19A3 (solute carrier family 19 member 3; minus strand). Cytogenetic location: 2q36.3.
Variant type: single nucleotide variant.
Coding change: c.4G>A on transcript NM_025243.4 (MANE Select); coding-DNA position 4, G replaced by A.
Protein change: p.Asp2Asn; replaces aspartic acid 2 with asparagine.
Molecular consequence: missense variant.
Genome position (GRCh38, 1-based): chr2:227,702,315, C>T on the plus strand (G>A on the coding strand, the complement: SLC19A3 is on the minus strand). VCF-style: chr2-227702315-C-T. GRCh37 (hg19) VCF-style: chr2-228567031-C-T.
Other names: short protein forms D2N.
Identifiers: ClinVar variation 650090 (VCV000650090.7), dbSNP rs747378211, ClinGen allele CA2149420.